The following is an entry in ClinVar:

NM_000629.3(IFNAR1):c.1130_1134del (p.Thr377fs)

Gene: IFNAR1 (interferon alpha and beta receptor subunit 1; plus strand). Cytogenetic location: 21q22.11.
Variant type: Deletion.
Coding change: c.1130_1134del on transcript NM_000629.3 (MANE Select); coding-DNA positions 1130 to 1134, 5 bases deleted (CTTCA; older notation c.1130_1134delCTTCA).
Protein change: p.Thr377fs; shifts the reading frame from threonine 377.
Molecular consequence: frameshift variant.
Genome position (GRCh38, 1-based): chr21:33,349,530-33,349,534, CTTCA deleted; deleting any 5 consecutive bases within chr21:33,349,528-33,349,534 gives the same sequence; the c. name uses the placement nearest the transcript's 3' end. VCF-style (leftmost placement, unchanged base first): chr21-33349527-ACACTT-A. GRCh37 (hg19) VCF-style: chr21-34721833-ACACTT-A.
Other names: c.1130_1134del, p.Thr377fs (NM_001384498.1, NM_001384499.1, NM_001384503.1); c.368_372del, p.Thr123fs (NM_001384500.1); c.1115_1119del, p.Thr372fs (NM_001384501.1); c.668_672del, p.Thr223fs (NM_001384502.1); c.923_927del, p.Thr308fs (NM_001384504.1); short protein forms T372fs, T308fs, T377fs, T123fs, T223fs.
Identifiers: ClinVar variation 2996847 (VCV002996847.3), dbSNP rs2083381117, ClinGen allele CA2386636181.

ClinVar aggregate classification (germline): Pathogenic (1 of 4 stars; one submission).

Submission:

Labcorp Genetics (formerly Invitae), Labcorp
Classification: Pathogenic. Last evaluated: 2025-10-26. Review status: criteria provided, single submitter. Criteria: Invitae Variant Classification Sherloc (09022015). Collection method: clinical testing. Allele origin: germline.
Comment: This sequence change creates a premature translational stop signal (p.Thr377Lysfs*3) in the IFNAR1 gene. It is expected to result in an absent or disrupted protein product. Loss-of-function variants in IFNAR1 are known to be pathogenic (PMID: 31270247, 32960813). This variant is not present in population databases (gnomAD no frequency). This variant has not been reported in the literature in individuals affected with IFNAR1-related conditions. ClinVar contains an entry for this variant (Variation ID: 2996847). Algorithms developed to predict the effect of sequence changes on RNA splicing suggest that this variant may disrupt the consensus splice site. For these reasons, this variant has been classified as Pathogenic.

Literature cited by the submitters: PubMed 31270247; PubMed 32960813.